The following is an entry in ClinVar:

NM_020831.6(MRTFA):c.2983T>C (p.Ser995Pro)

Gene: MRTFA (myocardin related transcription factor A; minus strand). Cytogenetic location: 22q13.1.
Variant type: single nucleotide variant.
Coding change: c.2983T>C on transcript NM_020831.6 (MANE Select); coding-DNA position 2983, T replaced by C.
Protein change: p.Ser995Pro; replaces serine 995 with proline.
Molecular consequence: missense variant. On other transcripts: 3 prime UTR variant (1).
Genome position (GRCh38, 1-based): chr22:40,411,503, A>G on the plus strand (T>C on the coding strand, the complement: MRTFA is on the minus strand). VCF-style: chr22-40411503-A-G. GRCh37 (hg19) VCF-style: chr22-40807507-A-G.
Other names: c.2683T>C, p.Ser895Pro (NM_001282660.2); c.2833T>C, p.Ser945Pro (NM_001282661.3); c.*296T>C (NM_001282662.3); c.2788T>C, p.Ser930Pro (NM_001318139.2); short protein forms S895P, S945P, S995P, S930P.
Identifiers: ClinVar variation 4717429 (VCV004717429.1).

ClinVar aggregate classification (germline): Uncertain significance (1 of 4 stars; one submission).

Submission:

Labcorp Genetics (formerly Invitae), Labcorp
Classification: Uncertain significance. Last evaluated: 2025-04-13. Review status: criteria provided, single submitter. Criteria: Invitae Variant Classification Sherloc (09022015). Collection method: clinical testing. Allele origin: germline.
Comment: This sequence change replaces serine, which is neutral and polar, with proline, which is neutral and non-polar, at codon 895 of the MKL1 protein (p.Ser895Pro). This variant is not present in population databases (gnomAD no frequency). This variant has not been reported in the literature in individuals affected with MKL1-related conditions. An algorithm developed to predict the effect of missense changes on protein structure and function (PolyPhen-2) suggests that this variant is likely to be disruptive. In summary, the available evidence is currently insufficient to determine the role of this variant in disease. Therefore, it has been classified as a Variant of Uncertain Significance.